The following is an entry in ClinVar:

NM_138295.5(PKD1L1):c.7591C>T (p.Leu2531=)

Genes: PKD1L1 (polycystin 1 like 1, transient receptor potential channel interacting; minus strand), PKD1L1-AS1 (PKD1L1 antisense RNA 1; plus strand). Cytogenetic location: 7p12.3.
Variant type: single nucleotide variant.
Coding change: c.7591C>T on transcript NM_138295.5 (MANE Select); coding-DNA position 7591, C replaced by T.
Protein change: p.Leu2531=; no amino-acid change (leucine 2531 retained).
Molecular consequence: synonymous variant.
Genome position (GRCh38, 1-based): chr7:47,809,568, G>A on the plus strand (C>T on the coding strand, the complement: PKD1L1 is on the minus strand). VCF-style: chr7-47809568-G-A. GRCh37 (hg19) VCF-style: chr7-47849166-G-A.
Identifiers: ClinVar variation 4988879 (VCV004988879.1).
Genomic context (GRCh38, chr7:47,809,568, plus strand): 5'-GGACGCCCTTGTCCATCATACGGTAGAGTTGAACACAGAGGTGGATCAGGCTGAGTGCCA[G>A]GAAGACCAGCTGGTGGAGAGAATGTAAACAAACAAGATCAATAGGAATGCTGATAAATTG-3'
Protein context (NP_612152.1, residues 2521-2541): YHLMLPQLVF[Leu2531=]ALSLIHLCVQ

ClinVar aggregate classification (germline): Likely benign (1 of 4 stars; one submission).

Conditions:
PKD1L1-related disorder. Also called: PKD1L1-related condition.

Submission:

PreventionGenetics, part of Exact Sciences
Classification: Likely benign for PKD1L1-related condition. Last evaluated: 2024-12-03. Review status: criteria provided, single submitter. Criteria: ACMG Guidelines, 2015. Collection method: clinical testing. Allele origin: germline.
Comment: This variant is classified as likely benign based on ACMG/AMP sequence variant interpretation guidelines (Richards et al. 2015 PMID: 25741868, with internal and published modifications).